The following is an entry in ClinVar:

NM_005529.7(HSPG2):c.7198G>A (p.Ala2400Thr)

Gene: HSPG2 (heparan sulfate proteoglycan 2; minus strand). Cytogenetic location: 1p36.12.
Variant type: single nucleotide variant.
Coding change: c.7198G>A on transcript NM_005529.7 (MANE Select); coding-DNA position 7198, G replaced by A.
Protein change: p.Ala2400Thr; replaces alanine 2400 with threonine.
Molecular consequence: missense variant.
Genome position (GRCh38, 1-based): chr1:21,850,459, C>T on the plus strand (G>A on the coding strand, the complement: HSPG2 is on the minus strand). VCF-style: chr1-21850459-C-T. GRCh37 (hg19) VCF-style: chr1-22176952-C-T.
Other names: c.7201G>A, p.Ala2401Thr (NM_001291860.2); c.7198G>A (NM_005529.6, NM_005529.5); short protein forms A2401T, A2400T.
Identifiers: ClinVar variation 1350314 (VCV001350314.9), dbSNP rs148674648, ClinGen allele CA671276.

ClinVar aggregate classification (germline): Uncertain significance. Review status: criteria provided, multiple submitters, no conflicts (2 of 4 stars). 4 submissions from 4 submitters: Uncertain significance (4). Last evaluated 2025-03-01.

Conditions:
Inborn genetic diseases. Identifiers: MedGen C0950123, MeSH D030342.
Lethal Kniest-like syndrome (DDSH). Also called: Dyssegmental Dysplasia. Identifiers: Orphanet 1865, MedGen C1857100, MONDO:0009140, OMIM 224410.
Schwartz-Jampel syndrome type 1 (SJS1). Also called: MYOTONIC MYOPATHY, DWARFISM, CHONDRODYSTROPHY, AND OCULAR AND FACIAL ABNORMALITIES; CHONDRODYSTROPHIC MYOTONIA. Identifiers: MedGen C4551479, MONDO:0100435, OMIM 255800.

Allele frequency attached by ClinVar (database versions not stated): ESP Exome Variant Server 0.00008; gnomAD exomes 0.00008; ExAC 0.00009; gnomAD 0.00009; TOPMed 0.00009; 1000 Genomes Project 30x 0.00016; 1000 Genomes Project 0.00020.
gnomAD v4.1: 37 of 1,612,044 alleles (0.0023%); highest among the groups gnomAD compares: East Asian, 0.029%; no homozygotes.

Submissions (4):

Ambry Genetics
Classification: Uncertain significance for Inborn genetic diseases. Last evaluated: 2025-03-01. Review status: criteria provided, single submitter. Criteria: Ambry Variant Classification Scheme 2023. Collection method: clinical testing. Allele origin: germline.

Athena Diagnostics
Classification: Uncertain significance. Last evaluated: 2023-01-09. Review status: criteria provided, single submitter. Criteria: Athena Diagnostics Criteria. Collection method: clinical testing. Allele origin: unknown.
Comment: Available data are insufficient to determine the clinical significance of the variant at this time. The frequency of this variant in the general population is uninformative in assessment of its pathogenicity. Computational tools predict that this variant is not damaging.

Labcorp Genetics (formerly Invitae), Labcorp
Classification: Uncertain significance. Last evaluated: 2022-07-06. Review status: criteria provided, single submitter. Criteria: Invitae Variant Classification Sherloc (09022015). Collection method: clinical testing. Allele origin: germline.
Comment: This sequence change replaces alanine, which is neutral and non-polar, with threonine, which is neutral and polar, at codon 2400 of the HSPG2 protein (p.Ala2400Thr). This variant is present in population databases (rs148674648, gnomAD 0.09%). This variant has not been reported in the literature in individuals affected with HSPG2-related conditions. ClinVar contains an entry for this variant (Variation ID: 1350314). Algorithms developed to predict the effect of missense changes on protein structure and function are either unavailable or do not agree on the potential impact of this missense change (SIFT: "Tolerated"; PolyPhen-2: "Possibly Damaging"; Align-GVGD: "Class C0"). In summary, the available evidence is currently insufficient to determine the role of this variant in disease. Therefore, it has been classified as a Variant of Uncertain Significance.

Fulgent Genetics
Classification: Uncertain significance for Lethal Kniest-like syndrome; Schwartz-Jampel syndrome type 1. Last evaluated: 2022-02-24. Review status: criteria provided, single submitter. Criteria: ACMG Guidelines, 2015. Collection method: clinical testing. Allele origin: unknown.